The following is an entry in ClinVar:

NM_000256.3(MYBPC3):c.3759dup (p.Arg1254fs)

Gene: MYBPC3 (myosin binding protein C3; minus strand). Cytogenetic location: 11p11.2.
Variant type: Duplication.
Coding change: c.3759dup on transcript NM_000256.3 (MANE Select); coding-DNA position 3759, one base duplicated (C; older notation c.3759dupC).
Protein change: p.Arg1254fs; shifts the reading frame from arginine 1254.
Molecular consequence: frameshift variant.
Genome position (GRCh38, 1-based): chr11:47,332,127, G duplicated on the plus strand (C on the coding strand, the reverse complement: MYBPC3 is on the minus strand). VCF-style (leftmost placement, unchanged base first): chr11-47332126-T-TG. GRCh37 (hg19) VCF-style: chr11-47353677-T-TG.
Other names: short protein forms R1254fs.
Identifiers: ClinVar variation 915723 (VCV000915723.22), dbSNP rs2095877700, ClinGen allele CA1139659381.

ClinVar aggregate classification (germline): Pathogenic/Likely pathogenic. Review status: criteria provided, multiple submitters, no conflicts (2 of 4 stars). 3 submissions from 3 submitters: Pathogenic (1); Likely pathogenic (2). Last evaluated 2024-06-01.

Conditions:
Cardiomyopathy (CMYO). Also called: Cardiomyopathies. Identifiers: Orphanet 167848, MedGen C0878544, MONDO:0004994, HP:0001638. Inheritance: Various modes of inheritance.
Hypertrophic cardiomyopathy 4. Also called: Familial hypertrophic cardiomyopathy 4. Identifiers: MedGen C1861862, MONDO:0007268, OMIM 115197.
Hypertrophic cardiomyopathy. Also called: HYPERTROPHIC MYOCARDIOPATHY. Identifiers: Orphanet 217569, MedGen C0007194, MeSH D002312, MONDO:0005045, HP:0001639.

Submissions (3):

Labcorp Genetics (formerly Invitae), Labcorp
Classification: Pathogenic for Hypertrophic cardiomyopathy. Last evaluated: 2024-06-01. Review status: criteria provided, single submitter. Criteria: Invitae Variant Classification Sherloc (09022015). Collection method: clinical testing. Allele origin: germline.
Comment: This sequence change creates a premature translational stop signal (p.Arg1254Glnfs*12) in the MYBPC3 gene. It is expected to result in an absent or disrupted protein product. Loss-of-function variants in MYBPC3 are known to be pathogenic (PMID: 19574547). This variant is not present in population databases (gnomAD no frequency). This variant has not been reported in the literature in individuals affected with MYBPC3-related conditions. ClinVar contains an entry for this variant (Variation ID: 915723). For these reasons, this variant has been classified as Pathogenic.

CHEO Genetics Diagnostic Laboratory, Children's Hospital of Eastern Ontario
Classification: Likely pathogenic for Cardiomyopathy. Last evaluated: 2022-01-20. Review status: criteria provided, single submitter. Criteria: ACMG Guidelines, 2015. Collection method: clinical testing. Allele origin: germline.

Arcensus
Classification: Likely pathogenic for Hypertrophic cardiomyopathy 4. Last evaluated: 2013-02-01. Review status: criteria provided, single submitter. Criteria: ACMG Guidelines, 2015. Collection method: clinical testing. Allele origin: germline. Affected: yes.

Literature cited by the submitters: PubMed 19574547 (cited by Labcorp Genetics (formerly Invitae), Labcorp).